The following is an entry in ClinVar:

NM_025074.7(FRAS1):c.6275-3A>G

Gene: FRAS1 (Fraser extracellular matrix complex subunit 1; plus strand). Cytogenetic location: 4q21.21.
Variant type: single nucleotide variant.
Coding change: c.6275-3A>G on transcript NM_025074.7 (MANE Select); 3 bases into the intron before coding-DNA position 6275, A replaced by G.
Molecular consequence: intron variant.
Genome position (GRCh38, 1-based): chr4:78,450,148, A>G. VCF-style: chr4-78450148-A-G. GRCh37 (hg19) VCF-style: chr4-79371302-A-G.
Identifiers: ClinVar variation 5019260 (VCV005019260.2).

ClinVar aggregate classification (germline): Uncertain significance (1 of 4 stars; one submission).

Conditions:
Fraser syndrome 1 (FRASRS1). Also called: CRYPTOPHTHALMOS WITH OTHER MALFORMATIONS. Identifiers: Orphanet 2052, MedGen C4551480, MONDO:0054737, OMIM 219000.

Submission:

Juno Genomics, Hangzhou Juno Genomics, Inc
Classification: Uncertain significance for Fraser syndrome 1. Review status: criteria provided, single submitter. Criteria: ACMG Guidelines, 2015. Collection method: clinical testing. Allele origin: germline.
Comment: Absent from controls (or at extremely low frequency if recessive) in Genome Aggregation Database.;Multiple lines of computational evidence support a deleterious effect on the gene or gene product.